The following is an entry in ClinVar:

ClinVar aggregate classification (germline): Uncertain significance (1 of 4 stars; one submission).

Conditions:
Ehlers-Danlos syndrome, kyphoscoliotic type, 2. Also called: Ehlers-Danlos syndrome with progressive kyphoscoliosis, myopathy, and hearing loss; Ehlers-Danlos syndrome, kyphoscoliotic and deafness type; FKBP14-Kyphoscoliotic Ehlers-Danlos Syndrome. Identifiers: Orphanet 300179, MedGen C3281160, MONDO:0013800, OMIM 614557.

Submission:

Department of Molecular Genetics, Istishari Arab Hospital
Classification: Uncertain significance for Ehlers-Danlos syndrome, kyphoscoliotic type, 2. Last evaluated: 2026-07-13. Review status: criteria provided, single submitter. Criteria: ACMG Guidelines, 2015. Collection method: clinical testing. Allele origin: germline. Inheritance: Autosomal recessive inheritance. Affected: yes.
Comment: The FKBP14 variant c.634_635del, p.*212Gluext*6 creates a shift in the reading frame at codon 212, which is the last codon in the gene, resulting in C-terminal extension of the protein for 6 extra codons. The variant is not observed in the gnomAD v4.1.0 dataset and, to the best of our knowledge, has not been reported in the literature. It is classified as a variant of uncertain significance based on ACMG/AMP/ClinGen SVI guidelines.

NM_017946.4(FKBP14):c.634_635del (p.Ter212GluextTer?)

Genes: FKBP14 (FKBP prolyl isomerase 14; minus strand), FKBP14-AS1 (FKBP14 antisense RNA 1; plus strand). Cytogenetic location: 7p14.3.
Variant type: Microsatellite.
Coding change: c.634_635del on transcript NM_017946.4 (MANE Select); coding-DNA positions 634 to 635, 2 bases deleted (TA; older notation c.634_635delTA).
Protein change: p.Ter212GluextTer?.
Molecular consequence: frameshift variant, stop lost. On other transcripts: non-coding transcript variant (2).
Genome position (GRCh38, 1-based): chr7:30,014,736-30,014,737, TA deleted on the plus strand (TA on the coding strand, the reverse complement: FKBP14 is on the minus strand); deleting any 2 consecutive bases within chr7:30,014,736-30,014,739 gives the same sequence; the c. name uses the placement nearest the transcript's 3' end. VCF-style (leftmost placement, unchanged base first): chr7-30014735-CTA-C. GRCh37 (hg19) VCF-style: chr7-30054351-CTA-C.
Other names: p.*212Gluext*6.
Identifiers: ClinVar variation 4879971 (VCV004879971.1).